The following is an entry in ClinVar:

ClinVar aggregate classification (germline): Likely benign (1 of 4 stars; one submission).

Conditions:
Leigh syndrome (NULS). Also called: Leigh's necrotizing encephalopathy; Leigh's disease; Leigh Syndrome (mtDNA deletion); Leigh Disease; Subacute necrotizing encephalopathy; Necrotizing encephalopathy infantile subacute of Leigh. Identifiers: Orphanet 506, MedGen C2931891, MONDO:0009723, OMIM 256000.

Submission:

Wong Mito Lab, Molecular and Human Genetics, Baylor College of Medicine
Classification: Likely benign for Leigh syndrome. Last evaluated: 2019-10-17. Review status: criteria provided, single submitter. Criteria: Modified ACMG Guidelines (Unpublished). Collection method: clinical testing. Allele origin: germline.
Comment: The NC_012920.1:m.12622G>A (YP_003024036.1:p.Val96Ile) variant in MTND5 gene is interpretated to be a Likely Benign variant based on the modified ACMG guidelines (unpublished). This variant meets the following evidence codes: BS1, BP4, BP6

NC_012920.1(MT-ND5):m.12622G>A

Gene: MT-ND5 (mitochondrially encoded NADH dehydrogenase 5; plus strand).
Variant type: single nucleotide variant.
Genome position: chrM-12622-G-A.
Identifiers: ClinVar variation 693470 (VCV000693470.1), dbSNP rs1603223840, ClinGen allele CA414814056.
Genomic context (GRCh38, chrMT:12,622, plus strand): 5'-CTCTCCCTAAGCTTCAAACTAGACTACTTCTCCATAATATTCATCCCTGTAGCATTGTTC[G>A]TTACATGGTCCATCATAGAATTCTCACTGTGATATATAAACTCAGACCCAAACATTAATC-3'